The following is an entry in ClinVar:

ClinVar aggregate classification (germline): Likely pathogenic (1 of 4 stars; one submission).

Conditions:
Charlevoix-Saguenay spastic ataxia (SACS). Also called: AUTOSOMAL RECESSIVE SPASTIC ATAXIA OF CHARLEVOIX-SAGUENAY; Spastic ataxia of Charlevoix-Saguenay; SPASTIC ATAXIA 6, AUTOSOMAL RECESSIVE. Identifiers: Orphanet 98, MedGen C1849140, MONDO:0010041, OMIM 270550.

Submission:

Natera, Inc.
Classification: Likely pathogenic for Charlevoix-Saguenay type spastic ataxia. Last evaluated: 2024-07-27. Review status: criteria provided, single submitter. Criteria: Natera Variant Classification Schema (03/2026). Collection method: clinical testing. Allele origin: germline.
Comment: The c.11560_11564delinsC variant in SACS is a frameshift variant predicted to shift the reading frame beginning at codon 3854 and leads to a stop codon 3 codons downstream. This variant is expected to result in nonsense mediated decay, truncation, or a dysfunctional protein product. This variant is rare in the general population with a frequency below the threshold expected for the associated phenotype(s). Given the available evidence, this variant is classified as Likely Pathogenic.

NM_014363.6(SACS):c.11560_11564delinsC (p.Val3854fs)

Gene: SACS (sacsin molecular chaperone; minus strand). Cytogenetic location: 13q12.12.
Variant type: Indel.
Coding change: c.11560_11564delinsC on transcript NM_014363.6 (MANE Select); coding-DNA positions 11560 to 11564, GTTGA replaced by C.
Protein change: p.Val3854fs; shifts the reading frame from valine 3854.
Molecular consequence: frameshift variant.
Genome position (GRCh38, 1-based): chr13:23,332,312-23,332,316, TCAAC replaced by G on the plus strand (GTTGA replaced by C on the coding strand, the reverse complement: SACS is on the minus strand). VCF-style: chr13-23332312-TCAAC-G. GRCh37 (hg19) VCF-style: chr13-23906451-TCAAC-G.
Other names: c.11119_11123delinsC, p.Val3707fs (NM_001278055.2); c.11587_11591delinsC, p.Val3863fs (NM_001437336.1); short protein forms V3707fs, V3854fs, V3863fs.
Identifiers: ClinVar variation 4815674 (VCV004815674.1).